The following is an entry in ClinVar:

ClinVar aggregate classification (germline): Uncertain significance. Review status: criteria provided, multiple submitters, no conflicts (2 of 4 stars). 2 submissions from 2 submitters: Uncertain significance (2). Last evaluated 2021-08-13.

Conditions:
Primary ciliary dyskinesia. Also called: Ciliary dyskinesia. Identifiers: Orphanet 244, MedGen C0008780, MONDO:0016575, HP:0012265.

Allele frequency attached by ClinVar (database versions not stated): gnomAD 0.00001; ExAC 0.00002; gnomAD exomes 0.00002 and 0.00003; TOPMed 0.00002.
gnomAD v4.1: 40 of 1,613,894 alleles (0.0025%); highest among the groups gnomAD compares: Middle Eastern, 0.016%; no homozygotes.

Submissions (2):

Labcorp Genetics (formerly Invitae), Labcorp
Classification: Uncertain significance for Primary ciliary dyskinesia. Last evaluated: 2021-08-13. Review status: criteria provided, single submitter. Criteria: Invitae Variant Classification Sherloc (09022015). Collection method: clinical testing. Allele origin: germline.
Comment: This sequence change replaces glycine with serine at codon 271 of the DNAAF5 protein (p.Gly271Ser). The glycine residue is weakly conserved and there is a small physicochemical difference between glycine and serine. This variant is present in population databases (rs764170608, ExAC 0.003%). This variant has not been reported in the literature in individuals affected with DNAAF5-related conditions. Algorithms developed to predict the effect of missense changes on protein structure and function output the following: SIFT: "Tolerated"; PolyPhen-2: "Benign"; Align-GVGD: "Class C0". The serine amino acid residue is found in multiple mammalian species, which suggests that this missense change does not adversely affect protein function. Algorithms developed to predict the effect of sequence changes on RNA splicing suggest that this variant may create or strengthen a splice site. In summary, the available evidence is currently insufficient to determine the role of this variant in disease. Therefore, it has been classified as a Variant of Uncertain Significance.

Breakthrough Genomics
Classification: Uncertain significance. Review status: criteria provided, single submitter. Criteria: ACMG Guidelines, 2015. Collection method: not provided. Allele origin: germline. Inheritance: Autosomal recessive inheritance. Affected: yes.

NM_017802.4(DNAAF5):c.811G>A (p.Gly271Ser)

Gene: DNAAF5 (dynein axonemal assembly factor 5; plus strand). Cytogenetic location: 7p22.3.
Variant type: single nucleotide variant.
Coding change: c.811G>A on transcript NM_017802.4 (MANE Select); coding-DNA position 811, G replaced by A.
Protein change: p.Gly271Ser; replaces glycine 271 with serine.
Molecular consequence: missense variant. On other transcripts: non-coding transcript variant (1).
Genome position (GRCh38, 1-based): chr7:740,849, G>A. VCF-style: chr7-740849-G-A. GRCh37 (hg19) VCF-style: chr7-780486-G-A.
Other names: short protein forms G271S.
Identifiers: ClinVar variation 649297 (VCV000649297.7), dbSNP rs764170608, ClinGen allele CA4110473.